The following is an entry in ClinVar:

NM_000188.3(HK1):c.2068A>T (p.Met690Leu)

Gene: HK1 (hexokinase 1; plus strand). Cytogenetic location: 10q22.1.
Variant type: single nucleotide variant.
Coding change: c.2068A>T on transcript NM_000188.3 (MANE Select); coding-DNA position 2068, A replaced by T.
Protein change: p.Met690Leu; replaces methionine 690 with leucine.
Molecular consequence: missense variant.
Genome position (GRCh38, 1-based): chr10:69,392,157, A>T. VCF-style: chr10-69392157-A-T. GRCh37 (hg19) VCF-style: chr10-71151913-A-T.
Other names: c.2080A>T, p.Met694Leu (NM_001322364.2, NM_001358263.1, NM_033497.3 and 1 more transcripts); c.2173A>T, p.Met725Leu (NM_001322365.2); c.1984A>T, p.Met662Leu (NM_001322366.1); c.1972A>T, p.Met658Leu (NM_001322367.1); c.2065A>T, p.Met689Leu (NM_033496.3); c.2032A>T, p.Met678Leu (NM_033500.2); short protein forms M689L, M690L, M662L, M678L, M694L, M658L, M725L.
Identifiers: ClinVar variation 1994528 (VCV001994528.4), dbSNP rs2540459909, ClinGen allele CA376914588.

ClinVar aggregate classification (germline): Uncertain significance (1 of 4 stars; one submission).

gnomAD v4.1: 1 of 1,614,132 alleles (0.000062%); no homozygotes.

Submission:

Labcorp Genetics (formerly Invitae), Labcorp
Classification: Uncertain significance. Last evaluated: 2024-08-06. Review status: criteria provided, single submitter. Criteria: Invitae Variant Classification Sherloc (09022015). Collection method: clinical testing. Allele origin: germline.
Comment: This sequence change replaces methionine, which is neutral and non-polar, with leucine, which is neutral and non-polar, at codon 690 of the HK1 protein (p.Met690Leu). This variant is not present in population databases (gnomAD no frequency). This variant has not been reported in the literature in individuals affected with HK1-related conditions. ClinVar contains an entry for this variant (Variation ID: 1994528). Advanced modeling of protein sequence and biophysical properties (such as structural, functional, and spatial information, amino acid conservation, physicochemical variation, residue mobility, and thermodynamic stability) performed at Invitae indicates that this missense variant is not expected to disrupt HK1 protein function with a negative predictive value of 80%. In summary, the available evidence is currently insufficient to determine the role of this variant in disease. Therefore, it has been classified as a Variant of Uncertain Significance.